The following is an entry in ClinVar:

NM_001690.4(ATP6V1A):c.593G>T (p.Gly198Val)

Gene: ATP6V1A (ATPase H+ transporting V1 subunit A; plus strand). Cytogenetic location: 3q13.31.
Variant type: single nucleotide variant.
Coding change: c.593G>T on transcript NM_001690.4 (MANE Select); coding-DNA position 593, G replaced by T.
Protein change: p.Gly198Val; replaces glycine 198 with valine.
Molecular consequence: missense variant.
Genome position (GRCh38, 1-based): chr3:113,786,260, G>T. VCF-style: chr3-113786260-G-T. GRCh37 (hg19) VCF-style: chr3-113505107-G-T.
Other names: short protein forms G198V.
Identifiers: ClinVar variation 3364661 (VCV003364661.1).

ClinVar aggregate classification (germline): Uncertain significance (1 of 4 stars; one submission).

Submission:

GeneDx
Classification: Uncertain significance. Last evaluated: 2023-11-18. Review status: criteria provided, single submitter. Criteria: GeneDx Variant Classification Process June 2021. Collection method: clinical testing. Allele origin: germline. Affected: yes.
Comment: Has not been previously published as pathogenic or benign to our knowledge; Not observed at significant frequency in large population cohorts (gnomAD); In silico analysis supports that this missense variant has a deleterious effect on protein structure/function